The following is an entry in ClinVar:

NM_020457.3(THAP11):c.351GCA[6] (p.Gln132_Ser133insGln)

Genes: CENPT (centromere protein T; minus strand), THAP11 (THAP domain containing 11; plus strand). Cytogenetic location: 16q22.1.
Variant type: Microsatellite.
Coding change: c.351GCA[6] on transcript NM_020457.3 (MANE Select); six copies in a row of the 3-base unit GCA starting at c.351; the reference has five copies in a row; one copy, 3 bases duplicated.
Protein change: p.Gln132_Ser133insGln.
Molecular consequence: inframe insertion. On other transcripts: intron variant (1).
Genome position (GRCh38, 1-based): chr16:67,842,917-67,842,919, GCA duplicated; duplicating any 3 consecutive bases within chr16:67,842,903-67,842,919 gives the same sequence; the position shown is the placement nearest the transcript's 3' end. VCF-style (leftmost placement, unchanged base first): chr16-67842902-A-ACAG. GRCh37 (hg19) VCF-style: chr16-67876805-A-ACAG.
Other names: c.-492+4484CTG[6] (NM_025082.4).
Identifiers: ClinVar variation 2712262 (VCV002712262.3), dbSNP rs955056927, ClinGen allele CA723102334.

ClinVar aggregate classification (germline): Uncertain significance (1 of 4 stars; one submission).

Submission:

Labcorp Genetics (formerly Invitae), Labcorp
Classification: Uncertain significance. Last evaluated: 2024-01-16. Review status: criteria provided, single submitter. Criteria: Invitae Variant Classification Sherloc (09022015). Collection method: clinical testing. Allele origin: germline.
Comment: This variant, c.363_365dup, results in the insertion of 1 amino acid(s) of the THAP11 protein (p.Gln132dup), but otherwise preserves the integrity of the reading frame. This variant is not present in population databases (gnomAD no frequency). This variant has not been reported in the literature in individuals affected with THAP11-related conditions. In summary, the available evidence is currently insufficient to determine the role of this variant in disease. Therefore, it has been classified as a Variant of Uncertain Significance.